The following is an entry in ClinVar:

ClinVar aggregate classification (germline): Uncertain significance. Review status: criteria provided, multiple submitters, no conflicts (2 of 4 stars). 2 submissions from 2 submitters: Uncertain significance (2). Last evaluated 2024-04-02.

Conditions:
Marfan syndrome (MFS). Also called: FBN1-Related Marfan Syndrome; Marfan syndrome, classic; MARFAN SYNDROME, TYPE I; Marfan syndrome type 1; Marfan's syndrome. Identifiers: Orphanet 284963, Orphanet 558, MedGen C0024796, MONDO:0007947, OMIM 154700.

Submissions (2):

Blueprint Genetics
Classification: Uncertain significance. Last evaluated: 2024-04-02. Review status: criteria provided, single submitter. Criteria: ACMG Guidelines, 2015. Collection method: clinical testing. Allele origin: germline.

Laboratory for Molecular Medicine, Mass General Brigham Personalized Medicine
Classification: Uncertain significance for Marfan syndrome. Last evaluated: 2024-01-16. Review status: criteria provided, single submitter. Criteria: ACMG Guidelines, 2015. Collection method: clinical testing. Allele origin: germline. Inheritance: Autosomal dominant inheritance.
Comment: This variant is absent from large population studies and lies within a functional domain of FBN1 (exon 4). Computational prediction tools and conservation analyses do not provide strong support for or against an impact to the protein. In summary, the clinical significance of this variant is uncertain. ACMG/AMP Criteria applied: PM2.

NM_000138.5(FBN1):c.415G>C (p.Gly139Arg)

Gene: FBN1 (fibrillin 1; minus strand). Cytogenetic location: 15q21.1.
Variant type: single nucleotide variant.
Coding change: c.415G>C on transcript NM_000138.5 (MANE Select); coding-DNA position 415, G replaced by C.
Protein change: p.Gly139Arg; replaces glycine 139 with arginine.
Molecular consequence: missense variant.
Genome position (GRCh38, 1-based): chr15:48,600,166, C>G on the plus strand (G>C on the coding strand, the complement: FBN1 is on the minus strand). VCF-style: chr15-48600166-C-G. GRCh37 (hg19) VCF-style: chr15-48892363-C-G.
Other names: short protein forms G139R.
Identifiers: ClinVar variation 42349 (VCV000042349.6), dbSNP rs397515800, ClinGen allele CA014806.